The following is an entry in ClinVar:

ClinVar aggregate classification (germline): Uncertain significance (1 of 4 stars; one submission).

Conditions:
Beckwith-Wiedemann syndrome (BWS). Also called: Exomphalos macroglossia gigantism syndrome; EMG SYNDROME. Identifiers: Orphanet 116, MedGen C0004903, MONDO:0007534, OMIM 130650.

Submission:

Labcorp Genetics (formerly Invitae), Labcorp
Classification: Uncertain significance for Beckwith-Wiedemann syndrome. Last evaluated: 2022-11-13. Review status: criteria provided, single submitter. Criteria: Invitae Variant Classification Sherloc (09022015). Collection method: clinical testing. Allele origin: germline.
Comment: This sequence change replaces serine, which is neutral and polar, with leucine, which is neutral and non-polar, at codon 306 of the CDKN1C protein (p.Ser306Leu). This variant is not present in population databases (gnomAD no frequency). This variant has not been reported in the literature in individuals affected with CDKN1C-related conditions. ClinVar contains an entry for this variant (Variation ID: 1421177). Advanced modeling of protein sequence and biophysical properties (such as structural, functional, and spatial information, amino acid conservation, physicochemical variation, residue mobility, and thermodynamic stability) performed at Invitae indicates that this missense variant is not expected to disrupt CDKN1C protein function. In summary, the available evidence is currently insufficient to determine the role of this variant in disease. Therefore, it has been classified as a Variant of Uncertain Significance.

NM_001122630.2(CDKN1C):c.884C>T (p.Ser295Leu)

Gene: CDKN1C (cyclin dependent kinase inhibitor 1C; minus strand). Cytogenetic location: 11p15.4.
Variant type: single nucleotide variant.
Coding change: c.884C>T on transcript NM_001122630.2 (MANE Select); coding-DNA position 884, C replaced by T.
Protein change: p.Ser295Leu; replaces serine 295 with leucine.
Molecular consequence: missense variant.
Genome position (GRCh38, 1-based): chr11:2,884,038, G>A on the plus strand (C>T on the coding strand, the complement: CDKN1C is on the minus strand). VCF-style: chr11-2884038-G-A. GRCh37 (hg19) VCF-style: chr11-2905268-G-A.
Other names: c.917C>T, p.Ser306Leu (NM_000076.2, NM_001362474.2); c.884C>T, p.Ser295Leu (NM_001122631.2); c.352C>T, p.Arg118Trp (NM_001362475.2); short protein forms S306L, R118W, S295L.
Identifiers: ClinVar variation 1421177 (VCV001421177.6), dbSNP rs750876855, ClinGen allele CA379144751.